The following is an entry in ClinVar:

ClinVar aggregate classification (germline): Conflicting classifications of pathogenicity. Review status: criteria provided, conflicting classifications (1 of 4 stars). 2 submissions from 2 submitters: Uncertain significance (1); Likely benign (1). Last evaluated 2026-05-26.

Conditions:
SLC44A4-related disorder. Also called: SLC44A4-related condition.

Allele frequency attached by ClinVar (database versions not stated): TOPMed 0.00008; gnomAD exomes 0.00013; gnomAD 0.00015; ExAC 0.00023.

Submissions (4):

PreventionGenetics, part of Exact Sciences
Classification: Likely benign for SLC44A4-related condition. Last evaluated: 2026-05-26. Review status: criteria provided, single submitter. Criteria: ACMG Guidelines, 2015. Collection method: clinical testing. Allele origin: germline.
Comment: This variant is classified as likely benign based on ACMG/AMP sequence variant interpretation guidelines (Richards et al. 2015 PMID: 25741868, with internal and published modifications).

Labcorp Genetics (formerly Invitae), Labcorp
Classification: Uncertain significance. Last evaluated: 2025-10-11. Review status: criteria provided, single submitter. Criteria: Invitae Variant Classification Sherloc (09022015). Collection method: clinical testing. Allele origin: germline.
Comment: This sequence change affects an acceptor splice site in intron 1 of the SLC44A4 gene. It is expected to disrupt RNA splicing. Variants that disrupt the donor or acceptor splice site typically lead to a loss of protein function (PMID: 16199547), however the current clinical and genetic evidence is not sufficient to establish whether loss-of-function variants in SLC44A4 cause disease. This variant is present in population databases (rs532108778, gnomAD 0.07%), and has an allele count higher than expected for a pathogenic variant. This variant has not been reported in the literature in individuals affected with SLC44A4-related conditions. ClinVar contains an entry for this variant (Variation ID: 2704257). Algorithms developed to predict the effect of sequence changes on RNA splicing suggest that this variant may disrupt the consensus splice site. In summary, the available evidence is currently insufficient to determine the role of this variant in disease. Therefore, it has been classified as a Variant of Uncertain Significance.

Dr. Peter K. Rogan Lab, Western University
No classification provided (evidence only). Condition: Lung cancer. Review status: no classification provided. Collection method: in vitro. Allele origin: not applicable. Functional consequence: retained intron. Not counted in ClinVar's aggregate classification.

Dr. Peter K. Rogan Lab, Western University
No classification provided (evidence only). Condition: Colorectal cancer. Review status: no classification provided. Collection method: in vitro. Allele origin: not applicable. Functional consequence: retained intron. Not counted in ClinVar's aggregate classification.

Literature cited by the submitters: PubMed 16199547 (cited by Labcorp Genetics (formerly Invitae), Labcorp).

NM_025257.3(SLC44A4):c.41-1G>A

Gene: SLC44A4 (solute carrier family 44 member 4; minus strand). Cytogenetic location: 6p21.33.
Variant type: single nucleotide variant.
Coding change: c.41-1G>A on transcript NM_025257.3 (MANE Select); the canonical splice acceptor site of the intron before coding-DNA position 41, G replaced by A.
Molecular consequence: splice acceptor variant.
Genome position (GRCh38, 1-based): chr6:31,877,083, C>T on the plus strand (G>A on the coding strand, the complement: SLC44A4 is on the minus strand). VCF-style: chr6-31877083-C-T. GRCh37 (hg19) VCF-style: chr6-31844860-C-T.
Other names: c.41-1G>A (NM_025257.2, NM_001178044.2); c.-188-1G>A (NM_001178045.2).
Identifiers: ClinVar variation 2704257 (VCV002704257.5), dbSNP rs532108778, ClinGen allele CA3725847.